The following is an entry in ClinVar:

ClinVar aggregate classification (germline): Uncertain significance (1 of 4 stars; one submission).

Submission:

GeneDx
Classification: Uncertain significance. Last evaluated: 2025-08-16. Review status: criteria provided, single submitter. Criteria: GeneDx Variant Classification Process June 2021. Collection method: clinical testing. Allele origin: germline. Affected: yes.
Comment: Not observed at significant frequency in large population cohorts (gnomAD); In silico analysis suggests that this variant does not alter splicing; Has not been previously published as pathogenic or benign to our knowledge

NM_006852.6(TLK2):c.222A>G (p.Gln74=)

Gene: TLK2 (tousled like kinase 2; plus strand). Cytogenetic location: 17q23.2.
Variant type: single nucleotide variant.
Coding change: c.222A>G on transcript NM_006852.6 (MANE Select); coding-DNA position 222, A replaced by G.
Protein change: p.Gln74=; no amino-acid change (glutamine 74 retained).
Molecular consequence: synonymous variant. On other transcripts: 5 prime UTR variant (2).
Genome position (GRCh38, 1-based): chr17:62,522,272, A>G. VCF-style: chr17-62522272-A-G. GRCh37 (hg19) VCF-style: chr17-60599633-A-G.
Other names: c.222A>G, p.Gln74= (NM_001284333.3, NM_001284363.1, NM_001375270.1 and 6 more transcripts); c.-130A>G (NM_001330418.3, NM_001375273.1); c.360A>G, p.Gln120= (NM_001375269.1).
Identifiers: ClinVar variation 4795740 (VCV004795740.1).